The following is an entry in ClinVar:

NM_000482.4(APOA4):c.415G>A (p.Ala139Thr)

Gene: APOA4 (apolipoprotein A4; minus strand). Cytogenetic location: 11q23.3.
Variant type: single nucleotide variant.
Coding change: c.415G>A on transcript NM_000482.4 (MANE Select); coding-DNA position 415, G replaced by A.
Protein change: p.Ala139Thr; replaces alanine 139 with threonine.
Molecular consequence: missense variant.
Genome position (GRCh38, 1-based): chr11:116,821,643, C>T on the plus strand (G>A on the coding strand, the complement: APOA4 is on the minus strand). VCF-style: chr11-116821643-C-T. GRCh37 (hg19) VCF-style: chr11-116692359-C-T.
Other names: short protein forms A139T.
Identifiers: ClinVar variation 2634872 (VCV002634872.1), dbSNP rs1320283776, ClinGen allele CA382702535.
Genomic context (GRCh38, chr11:116,821,643, plus strand): 5'-GGGTCAGCTGGCGCCGCAGCTGCTCGGCCTGCGTGCTGACCTGGGTGCGCAGCTGGTCCG[C>T]GTAGGGCTCCAGGCGCTGCTGAAGCTCTCGCAGGTTGTCCCCGATCTTCTGGCTCACCTC-3'
Protein context (NP_000473.2, residues 129-149): RELQQRLEPY[Ala139Thr]DQLRTQVSTQ

ClinVar aggregate classification (germline): Uncertain significance (1 of 4 stars; one submission).

Conditions:
APOA4-related disorder. Also called: APOA4-related condition.

Allele frequency attached by ClinVar (database versions not stated): gnomAD 0.00001; gnomAD exomes 0.00001; TOPMed 0.00001.

Submission:

PreventionGenetics, part of Exact Sciences
Classification: Uncertain significance for APOA4-related condition. Last evaluated: 2023-07-24. Review status: criteria provided, single submitter. Criteria: ACMG Guidelines, 2015. Collection method: clinical testing. Allele origin: germline.
Comment: The APOA4 c.415G>A variant is predicted to result in the amino acid substitution p.Ala139Thr. To our knowledge, this variant has not been reported in the literature. This variant is reported in 0.030% of alleles in individuals of Ashkenazi Jewish descent in gnomAD. At this time, the clinical significance of this variant is uncertain due to the absence of conclusive functional and genetic evidence.